The following is an entry in ClinVar:

ClinVar aggregate classification (germline): Uncertain significance (1 of 4 stars; one submission).

Submission:

GeneDx
Classification: Uncertain significance. Last evaluated: 2026-03-10. Review status: criteria provided, single submitter. Criteria: GeneDx Variant Classification Process June 2021. Collection method: clinical testing. Allele origin: germline.
Comment: Not observed at significant frequency in large population cohorts (gnomAD); Frameshift variant predicted to result in abnormal protein length as the last 70 amino acid(s) are replaced with 114 different amino acid(s); Has not been previously published as pathogenic or benign to our knowledge

NM_004700.3(KCNQ4):c.1876del

Gene: KCNQ4 (potassium voltage-gated channel subfamily Q member 4; plus strand). Cytogenetic location: 1p34.2.
Variant type: Deletion.
Coding change: c.1876del on transcript NM_004700.3; coding-DNA position 1876, one base deleted (G; older notation c.1876delG).
Genome position (GRCh38, 1-based): chr1:40,838,311, G deleted; the last of 2 consecutive G bases (chr1:40,838,310-40,838,311); deleting either gives the same sequence. VCF-style (leftmost placement, unchanged base first): chr1-40838309-AG-A. GRCh37 (hg19) VCF-style: chr1-41303981-AG-A.
Identifiers: ClinVar variation 5008690 (VCV005008690.1).